The following is an entry in ClinVar:

NM_002047.4(GARS1):c.694del (p.Ser232fs)

Gene: GARS1 (glycyl-tRNA synthetase 1; plus strand). Cytogenetic location: 7p14.3.
Variant type: Deletion.
Coding change: c.694del on transcript NM_002047.4 (MANE Select); coding-DNA position 694, one base deleted (T; older notation c.694delT).
Protein change: p.Ser232fs; shifts the reading frame from serine 232.
Molecular consequence: frameshift variant.
Genome position (GRCh38, 1-based): chr7:30,603,531, T deleted; the last of 2 consecutive T bases (chr7:30,603,530-30,603,531); deleting either gives the same sequence. VCF-style (leftmost placement, unchanged base first): chr7-30603529-GT-G. GRCh37 (hg19) VCF-style: chr7-30643145-GT-G.
Other names: c.532del, p.Ser178fs (NM_001316772.1); short protein forms S178fs, S232fs.
Identifiers: ClinVar variation 950416 (VCV000950416.7), dbSNP rs1791422813, ClinGen allele CA1139660022.

ClinVar aggregate classification (germline): Uncertain significance (1 of 4 stars; one submission).

Conditions:
Charcot-Marie-Tooth disease type 2. Also called: Charcot-Marie-Tooth type 2. Identifiers: Orphanet 64746, MedGen C0270914, MONDO:0018993.

Submission:

Labcorp Genetics (formerly Invitae), Labcorp
Classification: Uncertain significance for Charcot-Marie-Tooth disease type 2. Last evaluated: 2019-07-12. Review status: criteria provided, single submitter. Criteria: Invitae Variant Classification Sherloc (09022015). Collection method: clinical testing. Allele origin: germline.
Comment: This variant is not present in population databases (ExAC no frequency). This sequence change creates a premature translational stop signal (p.Ser232Leufs*28) in the GARS gene. It is expected to result in an absent or disrupted protein product. This variant has not been reported in the literature in individuals with GARS-related conditions. The current clinical and genetic evidence is not sufficient to establish whether loss-of-function variants in GARS cause disease. In summary, the available evidence is currently insufficient to determine the role of this variant in disease. Therefore, it has been classified as a Variant of Uncertain Significance.